The following is an entry in ClinVar:

ClinVar aggregate classification (germline): Pathogenic (1 of 4 stars; one submission).

Conditions:
Hereditary pancreatitis (PCTT). Also called: Hereditary chronic pancreatitis; PRSS1-Related Hereditary Pancreatitis. Identifiers: Orphanet 676, MedGen C0238339, MONDO:0008185, OMIM 167800.

Submission:

Ambry Genetics
Classification: Pathogenic for Hereditary pancreatitis. Last evaluated: 2025-10-21. Review status: criteria provided, single submitter. Criteria: Ambry Variant Classification Scheme 2023. Collection method: clinical testing. Allele origin: germline.
Comment: The c.190_193delATTG pathogenic mutation, located in coding exon 3 of the CTRC gene, results from a deletion of 4 nucleotides at nucleotide positions 190 to 193, causing a translational frameshift with a predicted alternate stop codon (p.I64Lfs*69). This variant was reported in individual(s) with features consistent with CTRC-related chronic pancreatitis (Rosendahl J et al. Nat Genet, 2008 Jan;40:78-82; Giefer MJ et al. J Pediatr, 2017 Jul;186:95-100). This variant is considered to be rare based on population cohorts in the Genome Aggregation Database (gnomAD). This alteration is expected to result in loss of function by premature protein truncation or nonsense-mediated mRNA decay. As such, this alteration is interpreted as a disease-causing mutation.

Literature cited by the submitters: PubMed 18059268; PubMed 28502372.

NM_007272.3(CTRC):c.190_193del (p.Ile64fs)

Gene: CTRC (chymotrypsin C; plus strand). Cytogenetic location: 1p36.21.
Variant type: Deletion.
Coding change: c.190_193del on transcript NM_007272.3 (MANE Select); coding-DNA positions 190 to 193, 4 bases deleted (ATTG; older notation c.190_193delATTG).
Protein change: p.Ile64fs; shifts the reading frame from isoleucine 64.
Molecular consequence: frameshift variant.
Genome position (GRCh38, 1-based): chr1:15,440,550-15,440,553, ATTG deleted; deleting any 4 consecutive bases within chr1:15,440,547-15,440,553 gives the same sequence; the c. name uses the placement nearest the transcript's 3' end. VCF-style (leftmost placement, unchanged base first): chr1-15440546-TTTGA-T. GRCh37 (hg19) VCF-style: chr1-15767042-TTTGA-T.
Other names: short protein forms I64fs.
Identifiers: ClinVar variation 1782301 (VCV001782301.3), dbSNP rs767242562, ClinGen allele CA613255.